The following is an entry in ClinVar:

ClinVar aggregate classification (germline): Uncertain significance (1 of 4 stars; one submission).

Conditions:
Spastic paraplegia. Identifiers: MedGen C0037772, HP:0001258.

Submission:

Labcorp Genetics (formerly Invitae), Labcorp
Classification: Uncertain significance for Spastic paraplegia. Last evaluated: 2023-01-31. Review status: criteria provided, single submitter. Criteria: Invitae Variant Classification Sherloc (09022015). Collection method: clinical testing. Allele origin: germline.
Comment: This sequence change replaces aspartic acid, which is acidic and polar, with phenylalanine, which is neutral and non-polar, at codon 307 of the L1CAM protein (p.Asp307Phe). Information on the frequency of this variant in the gnomAD database is not available, as this variant may be reported differently in the database. This variant has not been reported in the literature in individuals affected with L1CAM-related conditions. An algorithm developed to predict the effect of missense changes on protein structure and function (PolyPhen-2) suggests that this variant is likely to be disruptive. In summary, the available evidence is currently insufficient to determine the role of this variant in disease. Therefore, it has been classified as a Variant of Uncertain Significance.

NM_001278116.2(L1CAM):c.919_920delinsTT (p.Asp307Phe)

Gene: L1CAM (L1 cell adhesion molecule; minus strand). Cytogenetic location: Xq28.
Variant type: Indel.
Coding change: c.919_920delinsTT on transcript NM_001278116.2 (MANE Select); coding-DNA positions 919 to 920, GA replaced by TT.
Protein change: p.Asp307Phe; replaces aspartic acid 307 with phenylalanine.
Molecular consequence: missense variant.
Genome position (GRCh38, 1-based): chrX:153,870,127-153,870,128, TC replaced by AA on the plus strand (GA replaced by TT on the coding strand, the reverse complement: L1CAM is on the minus strand). VCF-style: chrX-153870127-TC-AA. GRCh37 (hg19) VCF-style: chrX-153135582-TC-AA.
Other names: c.919_920delinsTT, p.Asp307Phe (NM_000425.5, NM_024003.3); c.904_905delinsTT, p.Asp302Phe (NM_001143963.2); short protein forms D302F, D307F.
Identifiers: ClinVar variation 3008672 (VCV003008672.3), dbSNP rs2521017235, ClinGen allele CA2740090184.